The following is an entry in ClinVar:

NM_014915.3(ANKRD26):c.873T>G (p.Asn291Lys)

Gene: ANKRD26 (ankyrin repeat domain containing 26; minus strand). Cytogenetic location: 10p12.1.
Variant type: single nucleotide variant.
Coding change: c.873T>G on transcript NM_014915.3 (MANE Select); coding-DNA position 873, T replaced by G.
Protein change: p.Asn291Lys; replaces asparagine 291 with lysine.
Molecular consequence: missense variant.
Genome position (GRCh38, 1-based): chr10:27,077,634, A>C on the plus strand (T>G on the coding strand, the complement: ANKRD26 is on the minus strand). VCF-style: chr10-27077634-A-C. GRCh37 (hg19) VCF-style: chr10-27366563-A-C.
Other names: c.873T>G, p.Asn291Lys (NM_001256053.2); short protein forms N291K.
Identifiers: ClinVar variation 4104034 (VCV004104034.1).

ClinVar aggregate classification (germline): Uncertain significance (1 of 4 stars; one submission).

Conditions:
Inborn genetic diseases. Identifiers: MedGen C0950123, MeSH D030342.

Submission:

Ambry Genetics
Classification: Uncertain significance for Inborn genetic diseases. Last evaluated: 2025-08-05. Review status: criteria provided, single submitter. Criteria: Ambry Variant Classification Scheme 2023. Collection method: clinical testing. Allele origin: germline.
Comment: The p.N291K variant (also known as c.873T>G), located in coding exon 8 of the ANKRD26 gene, results from a T to G substitution at nucleotide position 873. The asparagine at codon 291 is replaced by lysine, an amino acid with similar properties. This amino acid position is conserved. In addition, this alteration is predicted to be tolerated by in silico analysis. Based on the available evidence, the clinical significance of this variant remains unclear.